The following is an entry in ClinVar:

NM_005633.4(SOS1):c.2359C>T (p.Gln787Ter)

Gene: SOS1 (SOS Ras/Rac guanine nucleotide exchange factor 1; minus strand). Cytogenetic location: 2p22.1.
Variant type: single nucleotide variant.
Coding change: c.2359C>T on transcript NM_005633.4 (MANE Select); coding-DNA position 2359, C replaced by T.
Protein change: p.Gln787Ter; replaces glutamine 787 with a stop codon.
Molecular consequence: nonsense.
Genome position (GRCh38, 1-based): chr2:39,012,157, G>A on the plus strand (C>T on the coding strand, the complement: SOS1 is on the minus strand). VCF-style: chr2-39012157-G-A. GRCh37 (hg19) VCF-style: chr2-39239298-G-A.
Other names: c.2338C>T, p.Gln780Ter (NM_001382394.1); c.2359C>T, p.Gln787Ter (NM_001382395.1); short protein forms Q780*, Q787*.
Identifiers: ClinVar variation 2702735 (VCV002702735.3), dbSNP rs2528992249, ClinGen allele CA346364053.

ClinVar aggregate classification (germline): Uncertain significance (1 of 4 stars; one submission).

Conditions:
RASopathy. Also called: rasopathies; Noonan spectrum disorder. Identifiers: Orphanet 536391, MedGen C5555857, MONDO:0021060.

Submission:

Labcorp Genetics (formerly Invitae), Labcorp
Classification: Uncertain significance for RASopathy. Last evaluated: 2023-12-13. Review status: criteria provided, single submitter. Criteria: Invitae Variant Classification Sherloc (09022015). Collection method: clinical testing. Allele origin: germline.
Comment: This sequence change creates a premature translational stop signal (p.Gln787*) in the SOS1 gene. It is expected to result in an absent or disrupted protein product. However, the current clinical and genetic evidence is not sufficient to establish whether loss-of-function variants in SOS1 cause disease. This variant is not present in population databases (gnomAD no frequency). This variant has not been reported in the literature in individuals affected with SOS1-related conditions. Algorithms developed to predict the effect of sequence changes on RNA splicing suggest that this variant may disrupt the consensus splice site. In summary, the available evidence is currently insufficient to determine the role of this variant in disease. Therefore, it has been classified as a Variant of Uncertain Significance.